The following is an entry in ClinVar:

ClinVar aggregate classification (germline): Likely pathogenic (1 of 4 stars; one submission).

Submission:

GeneDx
Classification: Likely pathogenic. Last evaluated: 2022-05-25. Review status: criteria provided, single submitter. Criteria: GeneDx Variant Classification Process June 2021. Collection method: clinical testing. Allele origin: germline. Affected: yes.
Comment: Canonical splice site variant expected to result in aberrant splicing, although in the absence of functional evidence the actual effect of this sequence change is unknown.; Not observed at significant frequency in large population cohorts (gnomAD); Has not been previously published as pathogenic or benign to our knowledge

NM_005591.4(MRE11):c.1867+1G>A

Gene: MRE11 (MRE11 homolog, double strand break repair nuclease; minus strand). Cytogenetic location: 11q21.
Variant type: single nucleotide variant.
Coding change: c.1867+1G>A on transcript NM_005591.4 (MANE Select); the canonical splice donor site of the intron after coding-DNA position 1867, G replaced by A.
Molecular consequence: splice donor variant. On other transcripts: intron variant (1).
Genome position (GRCh38, 1-based): chr11:94,445,809, C>T on the plus strand (G>A on the coding strand, the complement: MRE11 is on the minus strand). VCF-style: chr11-94445809-C-T. GRCh37 (hg19) VCF-style: chr11-94178975-C-T.
Other names: c.1864+1G>A (NM_001330347.2); c.1783+1410G>A (NM_005590.4).
Identifiers: ClinVar variation 3900787 (VCV003900787.1).
Genomic context (GRCh38, chr11:94,445,809, plus strand): 5'-TGATTACCTTGGTCTTTCTAATGTTGGAATTTATAAATAATCACTTGCAGTCTATACTCA[C>T]CATCTATAATAGACATATTTCTAGATGCTGACACAGCAGTCTTTGAGTTCCTGCTACGGG-3'